The following is an entry in ClinVar:

ClinVar aggregate classification (germline): Uncertain significance. Review status: criteria provided, multiple submitters, no conflicts (2 of 4 stars). 2 submissions from 2 submitters: Uncertain significance (2). Last evaluated 2025-07-01.

Conditions:
Inborn genetic diseases. Identifiers: MedGen C0950123, MeSH D030342.

gnomAD v4.1: 5 of 1,614,086 alleles (0.00031%); highest among the groups gnomAD compares: African/African-American, 0.0067%; no homozygotes.

Submissions (2):

Ambry Genetics
Classification: Uncertain significance for Inborn genetic diseases. Last evaluated: 2025-07-01. Review status: criteria provided, single submitter. Criteria: Ambry Variant Classification Scheme 2023. Collection method: clinical testing. Allele origin: germline.

Women's Health and Genetics/Laboratory Corporation of America, LabCorp
Classification: Uncertain significance. Last evaluated: 2024-09-18. Review status: criteria provided, single submitter. Criteria: LabCorp Variant Classification Summary - May 2015. Collection method: clinical testing. Allele origin: germline.
Comment: Variant summary: TCF20 c.978G>C (p.Gln326His) results in a non-conservative amino acid change in the encoded protein sequence. Three of five in-silico tools predict a benign effect of the variant on protein function. The variant allele was found at a frequency of 4e-06 in 251460 control chromosomes. The available data on variant occurrences in the general population are insufficient to allow any conclusion about variant significance. To our knowledge, no occurrence of c.978G>C in individuals affected with Developmental Delay With Variable Intellectual Impairment And Behavioral Abnormalities and no experimental evidence demonstrating its impact on protein function have been reported. No submitters have cited clinical-significance assessments for this variant to ClinVar. Based on the evidence outlined above, the variant was classified as uncertain significance.

NM_001378418.1(TCF20):c.978G>C (p.Gln326His)

Gene: TCF20 (transcription factor 20; minus strand). Cytogenetic location: 22q13.2.
Variant type: single nucleotide variant.
Coding change: c.978G>C on transcript NM_001378418.1 (MANE Select); coding-DNA position 978, G replaced by C.
Protein change: p.Gln326His; replaces glutamine 326 with histidine.
Molecular consequence: missense variant.
Genome position (GRCh38, 1-based): chr22:42,214,328, C>G on the plus strand (G>C on the coding strand, the complement: TCF20 is on the minus strand). VCF-style: chr22-42214328-C-G. GRCh37 (hg19) VCF-style: chr22-42610334-C-G.
Other names: c.978G>C (NM_005650.1); c.978G>C, p.Gln326His (NM_005650.4, NM_181492.3); short protein forms Q326H.
Identifiers: ClinVar variation 3375417 (VCV003375417.2).